The following is an entry in ClinVar:

ClinVar aggregate classification (germline): Likely pathogenic. Review status: criteria provided, single submitter (1 of 4 stars). 2 submissions from 2 submitters: Likely pathogenic (1). 1 of the submissions does not count toward it. Last evaluated 2018-10-21.

Conditions:
Hereditary breast ovarian cancer syndrome. Also called: BRCA1- and BRCA2-Associated Hereditary Breast and Ovarian Cancer; Breast and ovarian cancer; Hereditary breast and ovarian cancer syndrome (HBOC); Hereditary breast and ovarian cancer; Hereditary breast and ovarian cancer syndrome; Hereditary breast and/or ovarian cancer syndrome. Identifiers: Orphanet 145, MedGen C0677776, MeSH D061325, MONDO:0003582. Disease mechanism: loss of function.
Malignant tumor of urinary bladder. Also called: Bladder cancer; Urinary bladder cancer; Urinary Bladder Neoplasms. Identifiers: MedGen C0005684, MONDO:0001187, OMIM 109800.

Submissions (2):

Laboratory for Molecular Medicine, Mass General Brigham Personalized Medicine
Classification: Likely pathogenic for Hereditary breast ovarian cancer syndrome. Last evaluated: 2018-10-21. Review status: criteria provided, single submitter. Criteria: LMM Criteria. Collection method: clinical testing. Allele origin: germline. Inheritance: Autosomal dominant inheritance. Observed: 1 variant allele.
Comment: The p.Gln3262X variant in BRCA2 has not been previously reported in individuals with BRCA2-associated cancers or in large population studies. This nonsense vari ant leads to a premature termination codon at position 3262. This alteration occ urs within the last exon and is more likely to escape nonsense mediated decay (N MD) and result in a truncated protein. However, loss of function variants locate d 3' of this variant have been reported in patients with hereditary breast and/o r ovarian cancer (HBOC) and have been classified as pathogenic by the ClinGen-ap proved ENIGMA expert panel. In summary, although additional studies are required to fully establish its clinical significance, the p.Gln3262X variant meets crit eria to be classified as likely pathogenic for HBOC in an autosomal dominant man ner based upon the predicted impact to the protein and its absence from the gene ral population. ACMG/AMP Criteria applied: PVS1_Strong, PM2.

Laboratory of Urology, Hospital Clinic de Barcelona
Classification: Pathogenic for Malignant tumor of urinary bladder. Review status: no assertion criteria provided. Collection method: research. Allele origin: somatic. Affected: yes. Not counted in ClinVar's aggregate classification.

NM_000059.4(BRCA2):c.9784C>T (p.Gln3262Ter)

Gene: BRCA2 (BRCA2 DNA repair associated; plus strand). Cytogenetic location: 13q13.1.
Variant type: single nucleotide variant.
Coding change: c.9784C>T on transcript NM_000059.4 (MANE Select); coding-DNA position 9784, C replaced by T.
Protein change: p.Gln3262Ter; replaces glutamine 3262 with a stop codon.
Molecular consequence: nonsense.
Genome position (GRCh38, 1-based): chr13:32,398,297, C>T. VCF-style: chr13-32398297-C-T. GRCh37 (hg19) VCF-style: chr13-32972434-C-T.
Other names: short protein forms Q3262*.
Identifiers: ClinVar variation 667400 (VCV000667400.5), dbSNP rs1566261010, ClinGen allele CA387765945.